The following is an entry in ClinVar:

ClinVar aggregate classification (germline): Uncertain significance (1 of 4 stars; one submission).

Conditions:
Kleefstra syndrome 2 (KLEFS2). Identifiers: MedGen C4540395, MONDO:0054701, OMIM 617768.

Allele frequency attached by ClinVar (database versions not stated): gnomAD exomes below 0.00001; TOPMed below 0.00001.
gnomAD v4.1: 4 of 1,613,740 alleles (0.00025%); highest among the groups gnomAD compares: Non-Finnish European, 0.00034%; no homozygotes.

Submission:

New York Genome Center
Classification: Uncertain significance for Kleefstra syndrome 2. Last evaluated: 2023-07-07. Review status: criteria provided, single submitter. Criteria: NYGC Assertion Criteria 2020. Collection method: clinical testing. Allele origin: germline. Observed: 1 heterozygote.
Comment: The c.14329C>T p.(Arg4777Trp) variant identified in the KMT2C gene substitutes a highly conserved Arginine for Tryptophan at amino acid 4777/4912 (exon 55/59). This variant is observed once as a heterozygous allele in population databases (gnomAD v2.1.1 and v3.1.2, TOPMed Freeze 8), suggesting it is not a common benign variant in the populations represented in those databases. This variant is absent from ClinVar and to our current knowledge has not been reported in affected individuals in the literature. In silico predictions are in favor of the variant's damaging effect [REVEL = 0.866], however functional studies to support or refute these predictions have not been reported. Given the lack of compelling evidence for its pathogenicity, the c.14329C>T p.(Arg4777Trp) variant identified in the KMT2C gene is reported as a Variant of Uncertain Significance.

NM_170606.3(KMT2C):c.14329C>T (p.Arg4777Trp)

Gene: KMT2C (lysine methyltransferase 2C; minus strand). Cytogenetic location: 7q36.1.
Variant type: single nucleotide variant.
Coding change: c.14329C>T on transcript NM_170606.3 (MANE Select); coding-DNA position 14329, C replaced by T.
Protein change: p.Arg4777Trp; replaces arginine 4777 with tryptophan.
Molecular consequence: missense variant.
Genome position (GRCh38, 1-based): chr7:152,144,727, G>A on the plus strand (C>T on the coding strand, the complement: KMT2C is on the minus strand). VCF-style: chr7-152144727-G-A. GRCh37 (hg19) VCF-style: chr7-151841812-G-A.
Other names: short protein forms R4777W.
Identifiers: ClinVar variation 2665086 (VCV002665086.1), dbSNP rs2090935134, ClinGen allele CA370087649.
Genomic context (GRCh38, chr7:152,144,727, plus strand): 5'-ACTCCACCCTGTCTCTCCACTTCCTGTACACAAAGTATTTCTTCACCTGAATCCGAGACC[G>A]TGCCAGATACACATTGGATTTCCATTCAGTTTTCATCTTCCGGTACTGCGATGACTTGGA-3'
Protein context (NP_733751.2, residues 4767-4787): TEWKSNVYLA[Arg4777Trp]SRIQGLGLYA